The following is an entry in ClinVar:

ClinVar aggregate classification (germline): Uncertain significance (1 of 4 stars; one submission).

gnomAD v4.1: 1 of 1,613,568 alleles (0.000062%); no homozygotes.

Submission:

GeneDx
Classification: Uncertain significance. Last evaluated: 2025-07-24. Review status: criteria provided, single submitter. Criteria: GeneDx Variant Classification Process June 2021. Collection method: clinical testing. Allele origin: germline. Affected: yes.
Comment: Not observed at significant frequency in large population cohorts (gnomAD); In silico analysis supports that this missense variant has a deleterious effect on protein structure/function; Has not been previously published as pathogenic or benign to our knowledge

NM_001458.5(FLNC):c.562G>A (p.Gly188Ser)

Gene: FLNC (filamin C; plus strand). Cytogenetic location: 7q32.1.
Variant type: single nucleotide variant.
Coding change: c.562G>A on transcript NM_001458.5 (MANE Select); coding-DNA position 562, G replaced by A.
Protein change: p.Gly188Ser; replaces glycine 188 with serine.
Molecular consequence: missense variant.
Genome position (GRCh38, 1-based): chr7:128,835,535, G>A. VCF-style: chr7-128835535-G-A. GRCh37 (hg19) VCF-style: chr7-128475589-G-A.
Other names: c.562G>A, p.Gly188Ser (NM_001127487.2); short protein forms G188S.
Identifiers: ClinVar variation 4687049 (VCV004687049.1).